The following is an entry in ClinVar:

NM_147127.5(EVC2):c.450+2T>C

Gene: EVC2 (EvC ciliary complex subunit 2; minus strand). Cytogenetic location: 4p16.2.
Variant type: single nucleotide variant.
Coding change: c.450+2T>C on transcript NM_147127.5 (MANE Select); the canonical splice donor site of the intron after coding-DNA position 450, T replaced by C.
Molecular consequence: splice donor variant.
Genome position (GRCh38, 1-based): chr4:5,694,333, A>G on the plus strand (T>C on the coding strand, the complement: EVC2 is on the minus strand). VCF-style: chr4-5694333-A-G. GRCh37 (hg19) VCF-style: chr4-5696060-A-G.
Other names: c.210+2T>C (NM_001166136.2).
Identifiers: ClinVar variation 554626 (VCV000554626.13), dbSNP rs781096099, ClinGen allele CA2835462.

ClinVar aggregate classification (germline): Likely pathogenic. Review status: criteria provided, multiple submitters, no conflicts (2 of 4 stars). 4 submissions from 4 submitters: Likely pathogenic (3). 1 of the submissions does not count toward it. Last evaluated 2025-06-25.

Conditions:
Ellis-van Creveld syndrome (EVC). Also called: Chondroectodermal dysplasia; MESOECTODERMAL DYSPLASIA. Identifiers: Orphanet 289, MedGen C0013903, MONDO:0009162, OMIM 225500.
Curry-Hall syndrome (WAD). Also called: WEYERS ACRODENTAL DYSOSTOSIS. Identifiers: Orphanet 952, MedGen C0457013, MONDO:0008673, OMIM 193530.

Allele frequency attached by ClinVar (database versions not stated): ExAC 0.00001; gnomAD exomes 0.00001; TOPMed 0.00001.
gnomAD v4.1: 5 of 1,613,878 alleles (0.00031%); highest among the groups gnomAD compares: East Asian, 0.0089%; no homozygotes.

Submissions (4):

Women's Health and Genetics/Laboratory Corporation of America, LabCorp
Classification: Likely pathogenic for Ellis-van Creveld syndrome. Last evaluated: 2025-06-25. Review status: criteria provided, single submitter. Criteria: LabCorp Variant Classification Summary - May 2015. Collection method: clinical testing. Allele origin: germline.
Comment: Variant summary: EVC2 c.450+2T>C is located in a canonical splice-site and is predicted to affect mRNA splicing resulting in a significantly altered protein due to either exon skipping, shortening, or inclusion of intronic material. Variants that disrupt the consensus splice site are a relatively common cause of aberrant splicing and loss of EVC2 function. Consensus agreement among computation tools predict no significant impact on normal splicing. However, these predictions have yet to be confirmed by functional studies. The variant allele was found at a frequency of 8e-06 in 251204 control chromosomes. To our knowledge, no occurrence of c.450+2T>C in individuals affected with Ellis-van Creveld syndrome and no experimental evidence demonstrating its impact on protein function have been reported. ClinVar contains an entry for this variant (Variation ID: 554626). Based on the evidence outlined above, the variant was classified as likely pathogenic.

Labcorp Genetics (formerly Invitae), Labcorp
Classification: Likely pathogenic for Curry-Hall syndrome; Ellis-van Creveld syndrome. Last evaluated: 2023-12-22. Review status: criteria provided, single submitter. Criteria: Invitae Variant Classification Sherloc (09022015). Collection method: clinical testing. Allele origin: germline.
Comment: This sequence change affects a donor splice site in intron 3 of the EVC2 gene. It is expected to disrupt RNA splicing. Variants that disrupt the donor or acceptor splice site typically lead to a loss of protein function (PMID: 16199547), and loss-of-function variants in EVC2 are known to be pathogenic (PMID: 17024374, 19810119, 19876929). This variant is not present in population databases (gnomAD no frequency). This variant has not been reported in the literature in individuals affected with EVC2-related conditions. ClinVar contains an entry for this variant (Variation ID: 554626). Algorithms developed to predict the effect of sequence changes on RNA splicing suggest that this variant may disrupt the consensus splice site. In summary, the currently available evidence indicates that the variant is pathogenic, but additional data are needed to prove that conclusively. Therefore, this variant has been classified as Likely Pathogenic.

Juno Genomics, Hangzhou Juno Genomics, Inc
Classification: Likely pathogenic for Curry-Hall syndrome; Ellis-van Creveld syndrome. Review status: criteria provided, single submitter. Criteria: ACMG Guidelines, 2015. Collection method: clinical testing. Allele origin: germline.
Comment: Null variant in a gene where loss of function (LOF) is a known mechanism of disease.;Absent from controls (or at extremely low frequency if recessive) in Genome Aggregation Database.

Counsyl
Classification: Likely pathogenic for Ellis-van Creveld syndrome. Last evaluated: 2017-10-27. Review status: no assertion criteria provided. Collection method: clinical testing. Allele origin: unknown. Not counted in ClinVar's aggregate classification.

Literature cited by the submitters: PubMed 16199547 (cited by Labcorp Genetics (formerly Invitae), Labcorp); PubMed 17024374 (cited by Labcorp Genetics (formerly Invitae), Labcorp); PubMed 19810119 (cited by Labcorp Genetics (formerly Invitae), Labcorp); PubMed 19876929 (cited by Labcorp Genetics (formerly Invitae), Labcorp).